The following is an entry in ClinVar:

NM_004928.3(CFAP410):c.96+6T>A

Gene: CFAP410 (cilia and flagella associated protein 410; minus strand). Cytogenetic location: 21q22.3.
Variant type: single nucleotide variant.
Coding change: c.96+6T>A on transcript NM_004928.3 (MANE Select); 6 bases into the intron after coding-DNA position 96, T replaced by A.
Molecular consequence: intron variant.
Genome position (GRCh38, 1-based): chr21:44,337,643, A>T on the plus strand (T>A on the coding strand, the complement: CFAP410 is on the minus strand). VCF-style: chr21-44337643-A-T. GRCh37 (hg19) VCF-style: chr21-45757526-A-T.
Other names: c.96+6T>A (NM_001271440.2, NM_001271441.2); c.-116+6T>A (NM_001271442.1).
Identifiers: ClinVar variation 809297 (VCV000809297.50), dbSNP rs758835278, ClinGen allele CA10053873.

ClinVar aggregate classification (germline): Conflicting classifications of pathogenicity. Review status: criteria provided, conflicting classifications (1 of 4 stars). 5 submissions from 5 submitters: Pathogenic (1); Likely pathogenic (1); Uncertain significance (3). Last evaluated 2025-09-22.

Conditions:
C21ORF2 & CFAP410-related disorders.
Retinal dystrophy. Also called: Inherited retinal dystrophy. Identifiers: Orphanet 71862, MedGen C0854723, MeSH D058499, MONDO:0019118, HP:0000556.

Allele frequency attached by ClinVar (database versions not stated): gnomAD 0.00002; TOPMed 0.00005.
gnomAD v4.1: 80 of 1,612,272 alleles (0.005%); highest among the groups gnomAD compares: Non-Finnish European, 0.0067%; no homozygotes.

Submissions (5):

Labcorp Genetics (formerly Invitae), Labcorp
Classification: Pathogenic. Last evaluated: 2025-09-22. Review status: criteria provided, single submitter. Criteria: Invitae Variant Classification Sherloc (09022015). Collection method: clinical testing. Allele origin: germline.
Comment: This sequence change falls in intron 2 of the CFAP410 gene. It does not directly change the encoded amino acid sequence of the CFAP410 protein. It affects a nucleotide within the consensus splice site. This variant is present in population databases (rs758835278, gnomAD 0.005%). This variant has been observed in individual(s) with retinitis pigmentosa, and short-rib thoracic dystrophy (PMID: 26167768, 32531858; internal data). In at least one individual the data is consistent with being in trans (on the opposite chromosome) from a pathogenic variant. ClinVar contains an entry for this variant (Variation ID: 809297). Variants that disrupt the consensus splice site are a relatively common cause of aberrant splicing (PMID: 17576681, 9536098). Algorithms developed to predict the effect of sequence changes on RNA splicing suggest that this variant may disrupt the consensus splice site. For these reasons, this variant has been classified as Pathogenic.

Institute of Human Genetics, Univ. Regensburg, Univ. Regensburg
Classification: Uncertain significance for Retinal dystrophy. Last evaluated: 2023-01-01. Review status: criteria provided, single submitter. Criteria: ACMG Guidelines, 2015. Collection method: clinical testing. Allele origin: germline. Affected: yes.

GeneDx
Classification: Uncertain significance. Last evaluated: 2022-04-26. Review status: criteria provided, single submitter. Criteria: GeneDx Variant Classification Process June 2021. Collection method: clinical testing. Allele origin: germline. Affected: yes.
Comment: In silico analysis supports a deleterious effect on splicing; This variant is associated with the following publications: (PMID: 26167768)

Blueprint Genetics
Classification: Likely pathogenic for C21ORF2 & CFAP410-related disorders. Last evaluated: 2021-11-13. Review status: criteria provided, single submitter. Criteria: ACMG Guidelines, 2015. Collection method: clinical testing. Allele origin: germline. Affected: yes. Observed: 5 variant alleles.

CeGaT Center for Human Genetics Tuebingen
Classification: Uncertain significance. Last evaluated: 2018-11-01. Review status: criteria provided, single submitter. Criteria: CeGaT Center For Human Genetics Tuebingen Variant Classification Criteria Version 2. Collection method: clinical testing. Allele origin: germline. Affected: yes. Observed: 1 variant allele.

Literature cited by the submitters: PubMed 26167768 (cited by Labcorp Genetics (formerly Invitae), Labcorp and Institute of Human Genetics, Univ. Regensburg, Univ. Regensburg); PubMed 32531858 (cited by Labcorp Genetics (formerly Invitae), Labcorp); PubMed 17576681 (cited by Labcorp Genetics (formerly Invitae), Labcorp); PubMed 9536098 (cited by Labcorp Genetics (formerly Invitae), Labcorp); PubMed 3253185 (cited by Institute of Human Genetics, Univ. Regensburg, Univ. Regensburg).